The following is an entry in ClinVar:

NM_001567.4(INPPL1):c.268C>T (p.Arg90Cys)

Gene: INPPL1 (inositol polyphosphate phosphatase like 1; plus strand). Cytogenetic location: 11q13.4.
Variant type: single nucleotide variant.
Coding change: c.268C>T on transcript NM_001567.4 (MANE Select); coding-DNA position 268, C replaced by T.
Protein change: p.Arg90Cys; replaces arginine 90 with cysteine.
Molecular consequence: missense variant.
Genome position (GRCh38, 1-based): chr11:72,228,369, C>T. VCF-style: chr11-72228369-C-T. GRCh37 (hg19) VCF-style: chr11-71939413-C-T.
Other names: c.268C>T (NM_001567.3); short protein forms R90C.
Identifiers: ClinVar variation 1418321 (VCV001418321.4), dbSNP rs148394356, ClinGen allele CA6169606.

ClinVar aggregate classification (germline): Uncertain significance. Review status: criteria provided, multiple submitters, no conflicts (2 of 4 stars). 2 submissions from 2 submitters: Uncertain significance (2). Last evaluated 2025-03-31.

Conditions:
Inborn genetic diseases. Identifiers: MedGen C0950123, MeSH D030342.

Allele frequency attached by ClinVar (database versions not stated): ExAC 0.00006; gnomAD 0.00008 and 0.00009; TOPMed 0.00011; gnomAD exomes 0.00004 and 0.00002; ESP Exome Variant Server 0.00023.
gnomAD v4.1: 38 of 1,613,344 alleles (0.0024%); highest among the groups gnomAD compares: African/African-American, 0.023%; no homozygotes.

Submissions (2):

Ambry Genetics
Classification: Uncertain significance for Inborn genetic diseases. Last evaluated: 2025-03-31. Review status: criteria provided, single submitter. Criteria: Ambry Variant Classification Scheme 2023. Collection method: clinical testing. Allele origin: germline.

Labcorp Genetics (formerly Invitae), Labcorp
Classification: Uncertain significance. Last evaluated: 2022-02-04. Review status: criteria provided, single submitter. Criteria: Invitae Variant Classification Sherloc (09022015). Collection method: clinical testing. Allele origin: germline.
Comment: This sequence change replaces arginine, which is basic and polar, with cysteine, which is neutral and slightly polar, at codon 90 of the INPPL1 protein (p.Arg90Cys). This variant is present in population databases (rs148394356, gnomAD 0.03%). This variant has not been reported in the literature in individuals affected with INPPL1-related conditions. Algorithms developed to predict the effect of missense changes on protein structure and function are either unavailable or do not agree on the potential impact of this missense change (SIFT: "Deleterious"; PolyPhen-2: "Probably Damaging"; Align-GVGD: "Class C15"). In summary, the available evidence is currently insufficient to determine the role of this variant in disease. Therefore, it has been classified as a Variant of Uncertain Significance.